The following is an entry in ClinVar:

NM_182961.4(SYNE1):c.2394+104G>A

Gene: SYNE1 (spectrin repeat containing nuclear envelope protein 1; minus strand). Cytogenetic location: 6q25.2.
Variant type: single nucleotide variant.
Coding change: c.2394+104G>A on transcript NM_182961.4 (MANE Select); 104 bases into the intron after coding-DNA position 2394, G replaced by A.
Molecular consequence: intron variant.
Genome position (GRCh38, 1-based): chr6:152,461,493, C>T on the plus strand (G>A on the coding strand, the complement: SYNE1 is on the minus strand). VCF-style: chr6-152461493-C-T. GRCh37 (hg19) VCF-style: chr6-152782628-C-T.
Other names: c.2415+104G>A (NM_033071.5).
Identifiers: ClinVar variation 670607 (VCV000670607.1), dbSNP rs506181, ClinGen allele CA15453218.
Genomic context (GRCh38, chr6:152,461,493, plus strand): 5'-ATTTTTTTTAATTCATGACAAAGTTACTAAATTGAGAATCCCAATTAGAAACAAAAGCAT[C>T]GTTAACAAGTAAACACTTTGCCCATGGGGAGAAGGAGGTAGCAAGCAAGCTGAAGGCACT-3'

ClinVar aggregate classification (germline): Benign (1 of 4 stars; one submission).

Allele frequency attached by ClinVar (database versions not stated): gnomAD exomes 0.43557; gnomAD 0.51890 and 0.52115; TOPMed 0.53121; 1000 Genomes Project 0.60244; 1000 Genomes Project 30x 0.60290.
gnomAD v4.1: 626,457 of 1,405,204 alleles (45%); highest among the groups gnomAD compares: East Asian, 78%; 147,455 homozygotes.

Submission:

GeneDx
Classification: Benign. Last evaluated: 2018-06-14. Review status: criteria provided, single submitter. Criteria: GeneDx Variant Classification (06012015). Collection method: clinical testing. Allele origin: germline. Affected: yes.
Comment: This variant is considered likely benign or benign based on one or more of the following criteria: it is a conservative change, it occurs at a poorly conserved position in the protein, it is predicted to be benign by multiple in silico algorithms, and/or has population frequency not consistent with disease.